The following is an entry in ClinVar:

NM_022041.4(GAN):c.1456G>A (p.Glu486Lys)

Gene: GAN (gigaxonin; plus strand). Cytogenetic location: 16q23.2.
Variant type: single nucleotide variant.
Coding change: c.1456G>A on transcript NM_022041.4 (MANE Select); coding-DNA position 1456, G replaced by A.
Protein change: p.Glu486Lys; replaces glutamic acid 486 with lysine.
Molecular consequence: missense variant.
Genome position (GRCh38, 1-based): chr16:81,365,432, G>A. VCF-style: chr16-81365432-G-A. GRCh37 (hg19) VCF-style: chr16-81399037-G-A.
Other names: c.817G>A, p.Glu273Lys (NM_001377486.1); short protein forms E486K, E273K.
Identifiers: ClinVar variation 5030 (VCV000005030.16), dbSNP rs119485088, ClinGen allele CA253390.

ClinVar aggregate classification (germline): Pathogenic/Likely pathogenic. Review status: criteria provided, multiple submitters, no conflicts (2 of 4 stars). 6 submissions from 6 submitters: Pathogenic (1); Likely pathogenic (3). 2 of the submissions do not count toward it. Last evaluated 2023-12-07.

Conditions:
Inborn genetic diseases. Identifiers: MedGen C0950123, MeSH D030342.
Giant axonal neuropathy 1 (GAN1). Also called: GIANT AXONAL NEUROPATHY 1, AUTOSOMAL RECESSIVE; GAN-Related Neurodegeneration. Identifiers: Orphanet 643, MedGen C1850386, MONDO:0009749, OMIM 256850.

Allele frequency attached by ClinVar (database versions not stated): TOPMed below 0.00001; gnomAD exomes below 0.00001; gnomAD 0.00001.
gnomAD v4.1: 9 of 1,613,456 alleles (0.00056%); highest among the groups gnomAD compares: Non-Finnish European, 0.00042%; no homozygotes.

Submissions (6):

3billion
Classification: Likely pathogenic for Giant axonal neuropathy 1. Last evaluated: 2023-12-07. Review status: criteria provided, single submitter. Criteria: ACMG Guidelines, 2015. Collection method: clinical testing. Allele origin: germline. Affected: yes.
Comment: The variant is observed at an extremely low frequency in the gnomAD v2.1.1 dataset (total allele frequency: <0.001%). Predicted Consequence/Location: Missense variant In silico tool predictions suggest damaging effect of the variant on gene or gene product [REVEL: 0.35 (>=0.6, sensitivity 0.68 and specificity 0.92); 3Cnet: 0.69 (>=0.6, sensitivity 0.72 and precision 0.9)]. Same nucleotide change resulting in same amino acid change has been previously reported as pathogenic/likely pathogenic with strong evidence (ClinVar ID: VCV000005030 /PMID: 11062483). The variant has been reported to be in trans with a pathogenic variant as either compound heterozygous or homozygous in at least one similarly affected unrelated individual (PMID: 11062483, 20949505). Therefore, this variant is classified as Likely pathogenic according to the recommendation of ACMG/AMP guideline.

Labcorp Genetics (formerly Invitae), Labcorp
Classification: Pathogenic for Giant axonal neuropathy 1. Last evaluated: 2023-06-29. Review status: criteria provided, single submitter. Criteria: Invitae Variant Classification Sherloc (09022015). Collection method: clinical testing. Allele origin: germline.
Comment: For these reasons, this variant has been classified as Pathogenic. An algorithm developed to predict the effect of missense changes on protein structure and function (PolyPhen-2) suggests that this variant is likely to be tolerated. ClinVar contains an entry for this variant (Variation ID: 5030). This missense change has been observed in individual(s) with giant axonal neuropathy (PMID: 11062483, 20949505). In at least one individual the data is consistent with being in trans (on the opposite chromosome) from a pathogenic variant. This variant is present in population databases (rs119485088, gnomAD 0.004%). This sequence change replaces glutamic acid, which is acidic and polar, with lysine, which is basic and polar, at codon 486 of the GAN protein (p.Glu486Lys).

Laboratorio de Genetica e Diagnostico Molecular, Hospital Israelita Albert Einstein
Classification: Likely pathogenic for Giant axonal neuropathy 1. Last evaluated: 2022-02-03. Review status: criteria provided, single submitter. Criteria: ACMG Guidelines, 2015. Collection method: clinical testing. Allele origin: germline. Affected: yes.
Comment: ACMG classification criteria: PS4 moderate, PM2 moderate, PM3 strong, BP4 supporting

Ambry Genetics
Classification: Likely pathogenic for Inborn genetic diseases. Last evaluated: 2019-12-19. Review status: criteria provided, single submitter. Criteria: Ambry Variant Classification Scheme 2023. Collection method: clinical testing. Allele origin: germline.
Comment: The p.E486K variant (also known as c.1456G>A), located in coding exon 9 of the GAN gene, results from a G to A substitution at nucleotide position 1456. The glutamic acid at codon 486 is replaced by lysine, an amino acid with similar properties. This variant was homozygous in a Tunisian family and compound heterozygous with a nonsense variant in a French family with giant axonal neuropathy (GAN) (Bomont P et al. Nat. Genet., 2000 Nov;26:370-4). Another affected individual was found to carry this alteration in trans with a microdeletion involving exons 3-11 of the GAN gene (Mahammad S et al. J. Clin. Invest., 2013 May;123:1964-75). This variant was not reported in the ExAC database, with coverage at this position. This amino acid position is not well conserved in available vertebrate species. In addition, this alteration is predicted to be deleterious by in silico analysis. Based on the majority of available evidence to date, this variant is likely to be pathogenic.

Inherited Neuropathy Consortium Ii, University Of Miami
Classification: Uncertain significance for Giant axonal neuropathy 1. Last evaluated: 2016-01-06. Review status: no assertion criteria provided. Collection method: literature only. Allele origin: germline. Affected: yes. Not counted in ClinVar's aggregate classification.

OMIM
Classification: Pathogenic for GIANT AXONAL NEUROPATHY 1. Last evaluated: 2000-11-01. Review status: no assertion criteria provided. Collection method: literature only. Allele origin: germline. Not counted in ClinVar's aggregate classification.

Literature cited by the submitters: PubMed 11062483 (cited by 5 submitters); PubMed 20949505 (cited by 3billion and Labcorp Genetics (formerly Invitae), Labcorp); PubMed 12668605 (cited by Ambry Genetics); PubMed 23585478 (cited by Ambry Genetics).